The following is an entry in ClinVar:

NM_004360.5(CDH1):c.1358A>G (p.His453Arg)

Gene: CDH1 (cadherin 1; plus strand). Cytogenetic location: 16q22.1.
Variant type: single nucleotide variant.
Coding change: c.1358A>G on transcript NM_004360.5 (MANE Select); coding-DNA position 1358, A replaced by G.
Protein change: p.His453Arg; replaces histidine 453 with arginine.
Molecular consequence: missense variant. On other transcripts: 5 prime UTR variant (2).
Genome position (GRCh38, 1-based): chr16:68,815,552, A>G. VCF-style: chr16-68815552-A-G. GRCh37 (hg19) VCF-style: chr16-68849455-A-G.
Other names: c.1175A>G, p.His392Arg (NM_001317184.2); c.-191A>G (NM_001317185.2); c.-462A>G (NM_001317186.2); short protein forms H392R, H453R.
Identifiers: ClinVar variation 943722 (VCV000943722.10), dbSNP rs1960959163, ClinGen allele CA396462773.

ClinVar aggregate classification (germline): Uncertain significance (1 of 4 stars; one submission).

Conditions:
Hereditary diffuse gastric adenocarcinoma (HDGC). Also called: DIFFUSE GASTRIC AND LOBULAR BREAST CANCER SYNDROME. Identifiers: Orphanet 26106, MedGen C1708349, MONDO:0007648, OMIM 137215.

Submission:

Labcorp Genetics (formerly Invitae), Labcorp
Classification: Uncertain significance for Hereditary diffuse gastric adenocarcinoma. Last evaluated: 2021-07-02. Review status: criteria provided, single submitter. Criteria: Invitae Variant Classification Sherloc (09022015). Collection method: clinical testing. Allele origin: germline.
Comment: This sequence change replaces histidine with arginine at codon 453 of the CDH1 protein (p.His453Arg). The histidine residue is weakly conserved and there is a small physicochemical difference between histidine and arginine. This variant is not present in population databases (ExAC no frequency). This variant has not been reported in the literature in individuals with CDH1-related conditions. Algorithms developed to predict the effect of missense changes on protein structure and function (SIFT, PolyPhen-2, Align-GVGD) all suggest that this variant is likely to be tolerated, but these predictions have not been confirmed by published functional studies and their clinical significance is uncertain. In summary, the available evidence is currently insufficient to determine the role of this variant in disease. Therefore, it has been classified as a Variant of Uncertain Significance.